The following is an entry in ClinVar:

NM_002474.3(MYH11):c.3101C>T (p.Ser1034Phe)

Gene: MYH11 (myosin heavy chain 11; minus strand). Cytogenetic location: 16p13.11.
Variant type: single nucleotide variant.
Coding change: c.3101C>T on transcript NM_002474.3 (MANE Select); coding-DNA position 3101, C replaced by T.
Protein change: p.Ser1034Phe; replaces serine 1034 with phenylalanine.
Molecular consequence: missense variant.
Genome position (GRCh38, 1-based): chr16:15,738,585, G>A on the plus strand (C>T on the coding strand, the complement: MYH11 is on the minus strand). VCF-style: chr16-15738585-G-A. GRCh37 (hg19) VCF-style: chr16-15832442-G-A.
Other names: c.3122C>T, p.Ser1041Phe (NM_001040113.2, NM_001040114.2); c.3101C>T, p.Ser1034Phe (NM_022844.3); c.3101C>T (NM_002474.2); short protein forms S1034F, S1041F.
Identifiers: ClinVar variation 3074268 (VCV003074268.2), dbSNP rs2506191614, ClinGen allele CA394863636.

ClinVar aggregate classification (germline): Uncertain significance. Review status: criteria provided, multiple submitters, no conflicts (2 of 4 stars). 2 submissions from 2 submitters: Uncertain significance (2). Last evaluated 2024-09-11.

Conditions:
Familial thoracic aortic aneurysm and aortic dissection (TAAD). Also called: Thoracic aortic aneurysms and dissections. Identifiers: Orphanet 91387, MedGen C4707243, MONDO:0019625.

Allele frequency attached by ClinVar (database versions not stated): gnomAD exomes below 0.00001.
gnomAD v4.1: 1 of 1,613,668 alleles (0.000062%); highest among the groups gnomAD compares: Non-Finnish European, 0.000085%; no homozygotes.

Submissions (2):

Ambry Genetics
Classification: Uncertain significance for Familial thoracic aortic aneurysm and aortic dissection. Last evaluated: 2024-09-11. Review status: criteria provided, single submitter. Criteria: Ambry Variant Classification Scheme 2023. Collection method: clinical testing. Allele origin: germline.
Comment: The p.S1034F variant (also known as c.3101C>T), located in coding exon 23 of the MYH11 gene, results from a C to T substitution at nucleotide position 3101. The serine at codon 1034 is replaced by phenylalanine, an amino acid with highly dissimilar properties. This amino acid position is conserved. In addition, the in silico prediction for this alteration is inconclusive. Based on the available evidence, the clinical significance of this variant remains unclear.

All of Us Research Program, National Institutes of Health
Classification: Uncertain significance for Familial thoracic aortic aneurysm and aortic dissection. Last evaluated: 2023-12-01. Review status: criteria provided, single submitter. Criteria: ACMG Guidelines, 2015. Collection method: clinical testing. Allele origin: germline. Inheritance: Autosomal dominant inheritance. Observed: 1 variant allele, 1 heterozygote.
Comment: This study involves interpretation of variants in research participants for the purpose of population health screening. Participant phenotype was not available at the time of variant classification. Additional details can be found in publication PMID: 35346344, PMCID: PMC8962531